The following is an entry in ClinVar:

ClinVar aggregate classification (germline): Likely pathogenic (1 of 4 stars; one submission).

Conditions:
Cockayne syndrome type 2 (CSB). Also called: COCKAYNE SYNDROME B; Cockayne Syndrome, Type II. Identifiers: Orphanet 191, Orphanet 90322, MedGen C0751038, MONDO:0019570, OMIM 133540.

Submission:

Myriad Genetics, Inc.
Classification: Likely pathogenic for Cockayne syndrome type 2. Last evaluated: 2022-01-25. Review status: criteria provided, single submitter. Criteria: Myriad Women's Health Autosomal Recessive and X-Linked Classification Criteria (2021). Collection method: clinical testing. Allele origin: unknown.
Comment: NM_000124.2(ERCC6):c.1274_1275ins7(D425Efs*13) is expected to be pathogenic in the context of ERCC6-related disorders. This variant is predicted to lead to an abnormal or absent protein product due to the creation of a premature termination codon in ERCC6, a gene where loss-of-function variants are known to be pathogenic. Please note: this variant was assessed in the context of healthy population screening.

NM_000124.4(ERCC6):c.1274_1275insGCTTCAG (p.Asp425fs)

Genes: ERCC6 (ERCC excision repair 6, chromatin remodeling factor; minus strand), PGBD3 (piggyBac transposable element derived 3; minus strand). Cytogenetic location: 10q11.23.
Variant type: Insertion.
Coding change: c.1274_1275insGCTTCAG on transcript NM_000124.4 (MANE Select); coding-DNA positions 1274 to 1275, GCTTCAG inserted.
Protein change: p.Asp425fs; shifts the reading frame from aspartic acid 425.
Molecular consequence: frameshift variant. On other transcripts: 5 prime UTR variant (1).
Genome position: GRCh38 VCF-style: chr10-49524155-G-GCTGAAGC. GRCh37 (hg19) VCF-style: chr10-50732201-G-GCTGAAGC.
Other names: c.1274_1275insGCTTCAG, p.Asp425fs (NM_001277058.2, NM_001277059.2, NM_001346440.2); c.-131_-130insGCTTCAG (NM_170753.3); short protein forms D425fs.
Identifiers: ClinVar variation 1724080 (VCV001724080.2), dbSNP rs2496138250, ClinGen allele CA2580081551.